The following is an entry in ClinVar:

NM_024675.4(PALB2):c.1870C>G (p.Leu624Val)

Gene: PALB2 (partner and localizer of BRCA2; minus strand). Cytogenetic location: 16p12.2.
Variant type: single nucleotide variant.
Coding change: c.1870C>G on transcript NM_024675.4 (MANE Select); coding-DNA position 1870, C replaced by G.
Protein change: p.Leu624Val; replaces leucine 624 with valine.
Molecular consequence: missense variant.
Genome position (GRCh38, 1-based): chr16:23,630,284, G>C on the plus strand (C>G on the coding strand, the complement: PALB2 is on the minus strand). VCF-style: chr16-23630284-G-C. GRCh37 (hg19) VCF-style: chr16-23641605-G-C.
Other names: c.1870C>G (NM_024675.3); short protein forms L624V.
Identifiers: ClinVar variation 1007413 (VCV001007413.10), dbSNP rs1555460610, ClinGen allele CA395127692.

ClinVar aggregate classification (germline): Uncertain significance. Review status: criteria provided, multiple submitters, no conflicts (2 of 4 stars). 2 submissions from 2 submitters: Uncertain significance (2). Last evaluated 2025-05-07.

Conditions:
Hereditary cancer-predisposing syndrome. Also called: Tumor predisposition; Hereditary neoplastic syndrome; Neoplastic Syndromes, Hereditary; Hereditary Cancer Syndrome. Identifiers: Orphanet 140162, MedGen C0027672, MeSH D009386, MONDO:0015356.
Familial cancer of breast. Also called: BREAST CANCER, FAMILIAL; Hereditary breast cancer; hereditary breast carcinoma. Identifiers: Orphanet 227535, MedGen C0346153, MONDO:0016419, OMIM 114480. Disease mechanism: loss of function.

Submissions (2):

Labcorp Genetics (formerly Invitae), Labcorp
Classification: Uncertain significance for Familial cancer of breast. Last evaluated: 2025-05-07. Review status: criteria provided, single submitter. Criteria: Invitae Variant Classification Sherloc (09022015). Collection method: clinical testing. Allele origin: germline.
Comment: This sequence change replaces leucine, which is neutral and non-polar, with valine, which is neutral and non-polar, at codon 624 of the PALB2 protein (p.Leu624Val). This variant is not present in population databases (gnomAD no frequency). This variant has not been reported in the literature in individuals affected with PALB2-related conditions. ClinVar contains an entry for this variant (Variation ID: 1007413). Invitae Evidence Modeling of protein sequence and biophysical properties (such as structural, functional, and spatial information, amino acid conservation, physicochemical variation, residue mobility, and thermodynamic stability) indicates that this missense variant is expected to disrupt PALB2 protein function with a positive predictive value of 80%. In summary, the available evidence is currently insufficient to determine the role of this variant in disease. Therefore, it has been classified as a Variant of Uncertain Significance.

Ambry Genetics
Classification: Uncertain significance for Hereditary cancer-predisposing syndrome. Last evaluated: 2024-10-05. Review status: criteria provided, single submitter. Criteria: Ambry Variant Classification Scheme 2023. Collection method: clinical testing. Allele origin: germline.
Comment: The p.L624V variant (also known as c.1870C>G), located in coding exon 5 of the PALB2 gene, results from a C to G substitution at nucleotide position 1870. The leucine at codon 624 is replaced by valine, an amino acid with highly similar properties. This amino acid position is conserved. In addition, this alteration is predicted to be tolerated by in silico analysis. Based on the available evidence, the clinical significance of this variant remains unclear.